The following is an entry in ClinVar:

ClinVar aggregate classification (germline): Benign/Likely benign. Review status: criteria provided, multiple submitters, no conflicts (2 of 4 stars). 5 submissions from 5 submitters: Benign (2); Likely benign (2). 1 of the submissions does not count toward it. Last evaluated 2024-11-16.

Conditions:
GLI2-related disorder. Also called: GLI2-related condition; GLI2-related disorders.
Holoprosencephaly 9 (HPE9). Also called: HOLOPROSENCEPHALY WITH MICROPHTHALMIA AND FIRST BRANCHIAL ARCH ANOMALIES; PITUITARY ANOMALIES WITH HOLOPROSENCEPHALY-LIKE FEATURES. Identifiers: Orphanet 2162, MedGen C1835819, MONDO:0012563, OMIM 610829.
Postaxial polydactyly-anterior pituitary anomalies-facial dysmorphism syndrome. Also called: Culler-Jones syndrome. Identifiers: Orphanet 420584, MedGen C4014479, MONDO:0014369, OMIM 615849.

Allele frequency attached by ClinVar (database versions not stated): gnomAD 0.00010 and 0.00023; TOPMed 0.00011; gnomAD exomes 0.00072; ExAC 0.00087; 1000 Genomes Project 30x 0.00109; 1000 Genomes Project 0.00120.

Submissions (5):

Labcorp Genetics (formerly Invitae), Labcorp
Classification: Benign for Postaxial polydactyly-anterior pituitary anomalies-facial dysmorphism syndrome; Holoprosencephaly 9. Last evaluated: 2024-11-16. Review status: criteria provided, single submitter. Criteria: Invitae Variant Classification Sherloc (09022015). Collection method: clinical testing. Allele origin: germline.

Blueprint Genetics
Classification: Likely benign. Last evaluated: 2024-02-09. Review status: criteria provided, single submitter. Criteria: ACMG Guidelines, 2015. Collection method: clinical testing. Allele origin: germline.

CeGaT Center for Human Genetics Tuebingen
Classification: Likely benign. Last evaluated: 2023-10-01. Review status: criteria provided, single submitter. Criteria: CeGaT Center For Human Genetics Tuebingen Variant Classification Criteria Version 2. Collection method: clinical testing. Allele origin: germline. Affected: yes. Observed: 1 variant allele.
Comment: GLI2: BP4, BP7

Illumina Laboratory Services, Illumina
Classification: Benign for Holoprosencephaly 9. Last evaluated: 2018-01-13. Review status: criteria provided, single submitter. Criteria: ICSL Variant Classification Criteria 13 December 2019. Collection method: clinical testing. Allele origin: germline.
Comment: This variant was observed in the ICSL laboratory as part of a predisposition screen in an ostensibly healthy population. It had not been previously curated by ICSL or reported in the Human Gene Mutation Database (HGMD: prior to June 1st, 2018), and was therefore a candidate for classification through an automated scoring system. Utilizing variant allele frequency, disease prevalence and penetrance estimates, and inheritance mode, an automated score was calculated to assess if this variant is too frequent to cause the disease. Based on the score and internal cut-off values, a variant classified as benign is not then subjected to further curation. The score for this variant resulted in a classification of benign for this disease.

PreventionGenetics, part of Exact Sciences
Classification: Benign for GLI2-related condition. Last evaluated: 2019-06-28. Review status: no assertion criteria provided. Collection method: clinical testing. Allele origin: germline. Not counted in ClinVar's aggregate classification.
Comment: This variant is classified as benign based on ACMG/AMP sequence variant interpretation guidelines (Richards et al. 2015 PMID: 25741868, with internal and published modifications).

NM_001374353.1(GLI2):c.1260C>T (p.Thr420=)

Gene: GLI2 (GLI family zinc finger 2; plus strand). Cytogenetic location: 2q14.2.
Variant type: single nucleotide variant.
Coding change: c.1260C>T on transcript NM_001374353.1 (MANE Select); coding-DNA position 1260, C replaced by T.
Protein change: p.Thr420=; no amino-acid change (threonine 420 retained).
Molecular consequence: synonymous variant.
Genome position (GRCh38, 1-based): chr2:120,975,052, C>T. VCF-style: chr2-120975052-C-T. GRCh37 (hg19) VCF-style: chr2-121732628-C-T.
Other names: c.1311C>T, p.Thr437= (NM_001371271.1, NM_005270.5); c.885C>T, p.Thr295= (NM_001374354.1).
Identifiers: ClinVar variation 707067 (VCV000707067.37), dbSNP rs200497671, ClinGen allele CA1851852.